The following is an entry in ClinVar:

NM_001271696.3(ABCB7):c.1208-3A>C

Gene: ABCB7 (ATP binding cassette subfamily B member 7; minus strand). Cytogenetic location: Xq13.3.
Variant type: single nucleotide variant.
Coding change: c.1208-3A>C on transcript NM_001271696.3 (MANE Select); 3 bases into the intron before coding-DNA position 1208, A replaced by C.
Molecular consequence: intron variant.
Genome position (GRCh38, 1-based): chrX:75,070,525, T>G on the plus strand (A>C on the coding strand, the complement: ABCB7 is on the minus strand). VCF-style: chrX-75070525-T-G. GRCh37 (hg19) VCF-style: chrX-74290360-T-G.
Other names: c.1130-3A>C (NM_001271698.3); c.1088-3A>C (NM_001271697.3); c.1091-3A>C (NM_001271699.3); c.1211-3A>C (NM_004299.6).
Identifiers: ClinVar variation 3011346 (VCV003011346.3), dbSNP rs764550363, ClinGen allele CA10455423.

ClinVar aggregate classification (germline): Uncertain significance (1 of 4 stars; one submission).

Allele frequency attached by ClinVar (database versions not stated): TOPMed 0.00002; ExAC 0.00003; gnomAD 0.00003; gnomAD exomes 0.00006.
gnomAD v4.1: 69 of 1,205,356 alleles (0.0057%); highest among the groups gnomAD compares: Non-Finnish European, 0.0076%; no homozygotes.

Submission:

Labcorp Genetics (formerly Invitae), Labcorp
Classification: Uncertain significance. Last evaluated: 2023-08-10. Review status: criteria provided, single submitter. Criteria: Invitae Variant Classification Sherloc (09022015). Collection method: clinical testing. Allele origin: germline.
Comment: This variant is present in population databases (rs764550363, gnomAD 0.006%). This sequence change falls in intron 9 of the ABCB7 gene. It does not directly change the encoded amino acid sequence of the ABCB7 protein. It affects a nucleotide within the consensus splice site. This variant has not been reported in the literature in individuals affected with ABCB7-related conditions. In summary, the available evidence is currently insufficient to determine the role of this variant in disease. Therefore, it has been classified as a Variant of Uncertain Significance. Variants that disrupt the consensus splice site are a relatively common cause of aberrant splicing (PMID: 17576681, 9536098). Algorithms developed to predict the effect of sequence changes on RNA splicing suggest that this variant is not likely to affect RNA splicing.

Literature cited by the submitters: PubMed 17576681; PubMed 9536098.